The following is an entry in ClinVar:

NM_004006.3(DMD):c.960+11A>G

Gene: DMD (dystrophin; minus strand). Cytogenetic location: Xp21.1.
Variant type: single nucleotide variant.
Coding change: c.960+11A>G on transcript NM_004006.3 (MANE Select); 11 bases into the intron after coding-DNA position 960, A replaced by G.
Molecular consequence: intron variant.
Genome position (GRCh38, 1-based): chrX:32,697,859, T>C on the plus strand (A>G on the coding strand, the complement: DMD is on the minus strand). VCF-style: chrX-32697859-T-C. GRCh37 (hg19) VCF-style: chrX-32715976-T-C.
Other names: c.936+11A>G (NM_000109.4); c.948+11A>G (NM_004009.3); c.591+11A>G (NM_004010.3).
Identifiers: ClinVar variation 385517 (VCV000385517.4), dbSNP rs1057522246, ClinGen allele CA16608456.
Genomic context (GRCh38, chrX:32,697,859, plus strand): 5'-GTAAAAGCAGTGTTAGATTATCTTGGAAGCAGTTCTCTGGTTTGTACAACAGAGAGTAAA[T>C]GTTGACAGACCTGTGAAGGAAATGGGCTCCGTGTAGGGTCAGAGGTGGTGACATAAGCAG-3'

ClinVar aggregate classification (germline): Likely benign. Review status: criteria provided, multiple submitters, no conflicts (2 of 4 stars). 2 submissions from 2 submitters: Likely benign (2). Last evaluated 2024-07-24.

Conditions:
Duchenne muscular dystrophy (DMD). Also called: MUSCULAR DYSTROPHY, PSEUDOHYPERTROPHIC PROGRESSIVE, DUCHENNE TYPE; Duchenne Muscular Dystrophy (DMD). Identifiers: Orphanet 98896, MedGen C0013264, MONDO:0010679, OMIM 310200.

Allele frequency attached by ClinVar (database versions not stated): gnomAD exomes below 0.00001.
gnomAD v4.1: 2 of 1,210,206 alleles (0.00017%); highest among the groups gnomAD compares: Non-Finnish European, 0.00011%; no homozygotes.

Submissions (2):

Labcorp Genetics (formerly Invitae), Labcorp
Classification: Likely benign for Duchenne muscular dystrophy. Last evaluated: 2024-07-24. Review status: criteria provided, single submitter. Criteria: Invitae Variant Classification Sherloc (09022015). Collection method: clinical testing. Allele origin: germline.

GeneDx
Classification: Likely benign. Last evaluated: 2016-04-12. Review status: criteria provided, single submitter. Criteria: GeneDx Variant Classification (06012015). Collection method: clinical testing. Allele origin: germline. Affected: yes.
Comment: This variant is considered likely benign or benign based on one or more of the following criteria: it is a conservative change, it occurs at a poorly conserved position in the protein, it is predicted to be benign by multiple in silico algorithms, and/or has population frequency not consistent with disease.